The following is an entry in ClinVar:

ClinVar aggregate classification (germline): Uncertain significance (1 of 4 stars; one submission).

Conditions:
Epileptic encephalopathy. Identifiers: MedGen C0543888, HP:0200134.

Submission:

Labcorp Genetics (formerly Invitae), Labcorp
Classification: Uncertain significance for Epileptic encephalopathy. Last evaluated: 2025-11-12. Review status: criteria provided, single submitter. Criteria: Invitae Variant Classification Sherloc (09022015). Collection method: clinical testing. Allele origin: germline.
Comment: This sequence change replaces isoleucine, which is neutral and non-polar, with valine, which is neutral and non-polar, at codon 581 of the GABBR2 protein (p.Ile581Val). This variant is not present in population databases (gnomAD no frequency). This variant has not been reported in the literature in individuals affected with GABBR2-related conditions. Invitae Evidence Modeling of protein sequence and biophysical properties (such as structural, functional, and spatial information, amino acid conservation, physicochemical variation, residue mobility, and thermodynamic stability) indicates that this missense variant is not expected to disrupt GABBR2 protein function with a negative predictive value of 80%. In summary, the available evidence is currently insufficient to determine the role of this variant in disease. Therefore, it has been classified as a Variant of Uncertain Significance.

NM_005458.8(GABBR2):c.1741A>G (p.Ile581Val)

Gene: GABBR2 (gamma-aminobutyric acid type B receptor subunit 2; minus strand). Cytogenetic location: 9q22.33.
Variant type: single nucleotide variant.
Coding change: c.1741A>G on transcript NM_005458.8 (MANE Select); coding-DNA position 1741, A replaced by G.
Protein change: p.Ile581Val; replaces isoleucine 581 with valine.
Molecular consequence: missense variant.
Genome position (GRCh38, 1-based): chr9:98,371,493, T>C on the plus strand (A>G on the coding strand, the complement: GABBR2 is on the minus strand). VCF-style: chr9-98371493-T-C. GRCh37 (hg19) VCF-style: chr9-101133775-T-C.
Other names: short protein forms I581V.
Identifiers: ClinVar variation 4694703 (VCV004694703.1).
Genomic context (GRCh38, chr9:98,371,493, plus strand): 5'-TAATACCCTGAAACAGAAGGAGAGTGATTACCTTCTTCTTCATTTTCACATTTTTGAAGA[T>C]GGCGTGGACTCTCCAGGTCTTTGCAAACATGGCCCCAAAAGCGGTCGTGTAGCCCACGGT-3'
Protein context (NP_005449.5, residues 571-591): MFAKTWRVHA[Ile581Val]FKNVKMKKKI